The following is an entry in ClinVar:

NM_002386.4(MC1R):c.637C>T (p.Arg213Trp)

Gene: MC1R (melanocortin 1 receptor; plus strand). Cytogenetic location: 16q24.3.
Variant type: single nucleotide variant.
Coding change: c.637C>T on transcript NM_002386.4 (MANE Select); coding-DNA position 637, C replaced by T.
Protein change: p.Arg213Trp; replaces arginine 213 with tryptophan.
Molecular consequence: missense variant.
Genome position (GRCh38, 1-based): chr16:89,919,895, C>T. VCF-style: chr16-89919895-C-T. GRCh37 (hg19) VCF-style: chr16-89986303-C-T.
Other names: p.Arg213Trp; short protein forms R213W.
Identifiers: ClinVar variation 321435 (VCV000321435.15), dbSNP rs200000734, ClinGen allele CA8255693.

ClinVar aggregate classification (germline): Conflicting classifications of pathogenicity. Review status: criteria provided, conflicting classifications (1 of 4 stars). 4 submissions from 4 submitters: Uncertain significance (2); Likely benign (2). Last evaluated 2026-01-30.

Conditions:
Melanoma, cutaneous malignant, susceptibility to, 5. Also called: Cutaneous malignant melanoma 5. Identifiers: Orphanet 618, MedGen C2751295, MONDO:0013133, OMIM 613099.
Tyrosinase-positive oculocutaneous albinism (OCA2). Also called: Oculocutaneous albinism type 2; Albinism, oculocutaneous, type II; ALBINISM II. Identifiers: Orphanet 79432, MedGen C0268495, MONDO:0008746, OMIM 203200.

Allele frequency attached by ClinVar (database versions not stated): ExAC 0.00034; gnomAD exomes 0.00035; ESP Exome Variant Server 0.00048; gnomAD 0.00061 and 0.00066; 1000 Genomes Project 30x 0.00078; 1000 Genomes Project 0.00080; TOPMed 0.00097.
gnomAD v4.1: 755 of 1,606,972 alleles (0.047%); highest among the groups gnomAD compares: African/African-American, 0.088%; no homozygotes.

Submissions (4):

Labcorp Genetics (formerly Invitae), Labcorp
Classification: Uncertain significance for Melanoma, cutaneous malignant, susceptibility to, 5. Last evaluated: 2026-01-30. Review status: criteria provided, single submitter. Criteria: Invitae Variant Classification Sherloc (09022015). Collection method: clinical testing. Allele origin: germline.
Comment: This sequence change replaces arginine, which is basic and polar, with tryptophan, which is neutral and slightly polar, at codon 213 of the MC1R protein (p.Arg213Trp). This variant is present in population databases (rs200000734, gnomAD 0.05%), and has an allele count higher than expected for a pathogenic variant. This missense change has been observed in individual(s) with melanoma (PMID: 15221796, 15998953, 18067130, 19799798, 23360207, 23522749, 23647022, 24982914, 25284244). ClinVar contains an entry for this variant (Variation ID: 321435). Invitae Evidence Modeling of protein sequence and biophysical properties (such as structural, functional, and spatial information, amino acid conservation, physicochemical variation, residue mobility, and thermodynamic stability) has been performed for this missense variant. However, the output from this modeling did not meet the statistical confidence thresholds required to predict the impact of this variant on MC1R protein function. Experimental studies have shown that this missense change affects MC1R function (PMID: 23522749). In summary, the available evidence is currently insufficient to determine the role of this variant in disease. Therefore, it has been classified as a Variant of Uncertain Significance.

Mayo Clinic Laboratories, Mayo Clinic
Classification: Likely benign. Last evaluated: 2025-08-26. Review status: criteria provided, single submitter. Criteria: ACMG Guidelines, 2015. Collection method: clinical testing. Allele origin: germline. Observed: 1 variant allele.

Department of Pathology and Laboratory Medicine, Sinai Health System
Classification: Uncertain significance for Tyrosinase-positive oculocutaneous albinism. Last evaluated: 2020-05-25. Review status: criteria provided, single submitter. Criteria: ACMG Guidelines, 2015. Collection method: research. Allele origin: germline.

Illumina Laboratory Services, Illumina
Classification: Likely benign for Melanoma, cutaneous malignant, susceptibility to, 5. Last evaluated: 2017-04-27. Review status: criteria provided, single submitter. Criteria: ICSL Variant Classification Criteria 13 December 2019. Collection method: clinical testing. Allele origin: germline.
Comment: This variant was observed as part of a predisposition screen in an ostensibly healthy population. A literature search was performed for the gene, cDNA change, and amino acid change (where applicable). Publications were found based on this search. The evidence from the literature, in combination with allele frequency data from public databases where available, was sufficient to determine this variant is unlikely to cause disease. Therefore, this variant is classified as likely benign.

Literature cited by the submitters: PubMed 15221796 (cited by 3 submitters); PubMed 15998953 (cited by Labcorp Genetics (formerly Invitae), Labcorp and Mayo Clinic Laboratories, Mayo Clinic); PubMed 18067130 (cited by Labcorp Genetics (formerly Invitae), Labcorp and Mayo Clinic Laboratories, Mayo Clinic); PubMed 19799798 (cited by 3 submitters); PubMed 23360207 (cited by Labcorp Genetics (formerly Invitae), Labcorp and Mayo Clinic Laboratories, Mayo Clinic); PubMed 23522749 (cited by 3 submitters); PubMed 23647022 (cited by Labcorp Genetics (formerly Invitae), Labcorp and Mayo Clinic Laboratories, Mayo Clinic); PubMed 24982914 (cited by Labcorp Genetics (formerly Invitae), Labcorp and Mayo Clinic Laboratories, Mayo Clinic); PubMed 25284244 (cited by Labcorp Genetics (formerly Invitae), Labcorp); PubMed 18803811 (cited by Mayo Clinic Laboratories, Mayo Clinic and Illumina Laboratory Services, Illumina); PubMed 19269164 (cited by Mayo Clinic Laboratories, Mayo Clinic and Illumina Laboratory Services, Illumina); PubMed 19493000 (cited by Mayo Clinic Laboratories, Mayo Clinic and Illumina Laboratory Services, Illumina); PubMed 18402696 (cited by Illumina Laboratory Services, Illumina); PubMed 14961558 (cited by Illumina Laboratory Services, Illumina); PubMed 20876876 (cited by Illumina Laboratory Services, Illumina).